The following is an entry in ClinVar:

NM_007289.4(MME):c.1505A>C (p.Tyr502Ser)

Gene: MME (membrane metalloendopeptidase; plus strand). Cytogenetic location: 3q25.2.
Variant type: single nucleotide variant.
Coding change: c.1505A>C on transcript NM_007289.4 (MANE Select); coding-DNA position 1505, A replaced by C.
Protein change: p.Tyr502Ser; replaces tyrosine 502 with serine.
Molecular consequence: missense variant.
Genome position (GRCh38, 1-based): chr3:155,148,557, A>C. VCF-style: chr3-155148557-A-C. GRCh37 (hg19) VCF-style: chr3-154866346-A-C.
Other names: c.1505A>C, p.Tyr502Ser (NM_001354642.2, NM_001354643.1, NM_007287.4 and 2 more transcripts); short protein forms Y502S.
Identifiers: ClinVar variation 4763776 (VCV004763776.1).

ClinVar aggregate classification (germline): Uncertain significance (1 of 4 stars; one submission).

Submission:

Labcorp Genetics (formerly Invitae), Labcorp
Classification: Uncertain significance. Last evaluated: 2025-03-31. Review status: criteria provided, single submitter. Criteria: Invitae Variant Classification Sherloc (09022015). Collection method: clinical testing. Allele origin: germline.
Comment: This sequence change replaces tyrosine, which is neutral and polar, with serine, which is neutral and polar, at codon 502 of the MME protein (p.Tyr502Ser). This variant is not present in population databases (gnomAD no frequency). This missense change has been observed in individual(s) with clinical features of MME-related conditions (PMID: 33144514; internal data). Invitae Evidence Modeling of protein sequence and biophysical properties (such as structural, functional, and spatial information, amino acid conservation, physicochemical variation, residue mobility, and thermodynamic stability) indicates that this missense variant is not expected to disrupt MME protein function with a negative predictive value of 80%. In summary, the available evidence is currently insufficient to determine the role of this variant in disease. Therefore, it has been classified as a Variant of Uncertain Significance.

Literature cited by the submitters: PubMed 33144514.